The following is an entry in ClinVar:

NM_199420.4(POLQ):c.7376A>G (p.Tyr2459Cys)

Gene: POLQ (DNA polymerase theta; minus strand). Cytogenetic location: 3q13.33.
Variant type: single nucleotide variant.
Coding change: c.7376A>G on transcript NM_199420.4 (MANE Select); coding-DNA position 7376, A replaced by G.
Protein change: p.Tyr2459Cys; replaces tyrosine 2459 with cysteine.
Molecular consequence: missense variant.
Genome position (GRCh38, 1-based): chr3:121,440,005, T>C on the plus strand (A>G on the coding strand, the complement: POLQ is on the minus strand). VCF-style: chr3-121440005-T-C. GRCh37 (hg19) VCF-style: chr3-121158852-T-C.
Other names: short protein forms Y2459C.
Identifiers: ClinVar variation 3308533 (VCV003308533.1).

ClinVar aggregate classification (germline): Uncertain significance (1 of 4 stars; one submission).

gnomAD v4.1: 5 of 1,613,490 alleles (0.00031%); highest among the groups gnomAD compares: Non-Finnish European, 0.00042%; no homozygotes.

Submission:

Ambry Genetics
Classification: Uncertain significance. Last evaluated: 2024-04-10. Review status: criteria provided, single submitter. Criteria: Ambry Variant Classification Scheme 2023. Collection method: clinical testing. Allele origin: germline.
Comment: The p.Y2459C variant (also known as c.7376A>G), located in coding exon 27 of the POLQ gene, results from an A to G substitution at nucleotide position 7376. The tyrosine at codon 2459 is replaced by cysteine, an amino acid with highly dissimilar properties. This amino acid position is conserved. In addition, this alteration is predicted to be deleterious by in silico analysis. Based on the available evidence, the clinical significance of this variant remains unclear.